The following is an entry in ClinVar:

NM_005477.3(HCN4):c.3019G>A (p.Val1007Met)

Gene: HCN4 (hyperpolarization activated cyclic nucleotide gated potassium channel 4; minus strand). Cytogenetic location: 15q24.1.
Variant type: single nucleotide variant.
Coding change: c.3019G>A on transcript NM_005477.3 (MANE Select); coding-DNA position 3019, G replaced by A.
Protein change: p.Val1007Met; replaces valine 1007 with methionine.
Molecular consequence: missense variant.
Genome position (GRCh38, 1-based): chr15:73,323,074, C>T on the plus strand (G>A on the coding strand, the complement: HCN4 is on the minus strand). VCF-style: chr15-73323074-C-T. GRCh37 (hg19) VCF-style: chr15-73615415-C-T.
Other names: short protein forms V1007M.
Identifiers: ClinVar variation 1354375 (VCV001354375.9), dbSNP rs866060091, ClinGen allele CA393086432.

ClinVar aggregate classification (germline): Uncertain significance. Review status: criteria provided, multiple submitters, no conflicts (2 of 4 stars). 2 submissions from 2 submitters: Uncertain significance (2). Last evaluated 2024-07-12.

Conditions:
Brugada syndrome 8 (BRGDA8). Identifiers: Orphanet 130, MedGen C2751083, MONDO:0013148, OMIM 613123.

gnomAD v4.1: 1 of 1,560,516 alleles (0.000064%); no homozygotes.

Submissions (2):

Women's Health and Genetics/Laboratory Corporation of America, LabCorp
Classification: Uncertain significance. Last evaluated: 2024-07-12. Review status: criteria provided, single submitter. Criteria: LabCorp Variant Classification Summary - May 2015. Collection method: clinical testing. Allele origin: germline.
Comment: Variant summary: HCN4 c.3019G>A (p.Val1007Met) results in a conservative amino acid change in the encoded protein sequence. Five of five in-silico tools predict a benign effect of the variant on protein function. The variant was absent in 190114 control chromosomes. The available data on variant occurrences in the general population are insufficient to allow any conclusion about variant significance. To our knowledge, no occurrence of c.3019G>A in individuals affected with Sick Sinus Syndrome 2 and no experimental evidence demonstrating its impact on protein function have been reported. ClinVar contains an entry for this variant (Variation ID: 1354375). Based on the evidence outlined above, the variant was classified as uncertain significance.

Labcorp Genetics (formerly Invitae), Labcorp
Classification: Uncertain significance for Brugada syndrome 8. Last evaluated: 2021-05-17. Review status: criteria provided, single submitter. Criteria: Invitae Variant Classification Sherloc (09022015). Collection method: clinical testing. Allele origin: germline.
Comment: In summary, the available evidence is currently insufficient to determine the role of this variant in disease. Therefore, it has been classified as a Variant of Uncertain Significance. Advanced modeling of protein sequence and biophysical properties (such as structural, functional, and spatial information, amino acid conservation, physicochemical variation, residue mobility, and thermodynamic stability) performed at Invitae indicates that this missense variant is not expected to disrupt HCN4 protein function. This variant has not been reported in the literature in individuals with HCN4-related conditions. This variant is not present in population databases (ExAC no frequency). This sequence change replaces valine with methionine at codon 1007 of the HCN4 protein (p.Val1007Met). The valine residue is weakly conserved and there is a small physicochemical difference between valine and methionine.